The following is an entry in ClinVar:

ClinVar aggregate classification (germline): Uncertain significance (1 of 4 stars; one submission).

Conditions:
MBD5-related disorder. Also called: MBD5-related condition.

Submission:

PreventionGenetics, part of Exact Sciences
Classification: Uncertain significance for MBD5-related condition. Last evaluated: 2023-05-22. Review status: criteria provided, single submitter. Criteria: ACMG Guidelines, 2015. Collection method: clinical testing. Allele origin: germline.
Comment: The MBD5 c.921T>G variant is predicted to result in the amino acid substitution p.Ser307Arg. To our knowledge, this variant has not been reported in the literature or in a large population database, indicating this variant is rare. At this time, the clinical significance of this variant is uncertain due to the absence of conclusive functional and genetic evidence.

NM_001378120.1(MBD5):c.921T>G (p.Ser307Arg)

Gene: MBD5 (methyl-CpG binding domain protein 5; plus strand). Cytogenetic location: 2q23.1.
Variant type: single nucleotide variant.
Coding change: c.921T>G on transcript NM_001378120.1 (MANE Select); coding-DNA position 921, T replaced by G.
Protein change: p.Ser307Arg; replaces serine 307 with arginine.
Molecular consequence: missense variant.
Genome position (GRCh38, 1-based): chr2:148,468,864, T>G. VCF-style: chr2-148468864-T-G. GRCh37 (hg19) VCF-style: chr2-149226433-T-G.
Other names: c.921T>G, p.Ser307Arg (NM_018328.5); short protein forms S307R.
Identifiers: ClinVar variation 2632946 (VCV002632946.1), dbSNP rs2469859063, ClinGen allele CA348717995.